The following is an entry in ClinVar:

NM_004629.2(FANCG):c.922G>T (p.Glu308Ter)

Gene: FANCG (FA complementation group G; minus strand). Cytogenetic location: 9p13.3.
Variant type: single nucleotide variant.
Coding change: c.922G>T on transcript NM_004629.2 (MANE Select); coding-DNA position 922, G replaced by T.
Protein change: p.Glu308Ter; replaces glutamic acid 308 with a stop codon.
Molecular consequence: nonsense.
Genome position (GRCh38, 1-based): chr9:35,076,726, C>A on the plus strand (G>T on the coding strand, the complement: FANCG is on the minus strand). VCF-style: chr9-35076726-C-A. GRCh37 (hg19) VCF-style: chr9-35076723-C-A.
Other names: short protein forms E308*.
Identifiers: ClinVar variation 2632659 (VCV002632659.6), dbSNP rs2131055853, ClinGen allele CA373312753.

ClinVar aggregate classification (germline): Pathogenic/Likely pathogenic. Review status: criteria provided, multiple submitters, no conflicts (2 of 4 stars). 4 submissions from 4 submitters: Pathogenic (2); Likely pathogenic (2). Last evaluated 2026-01-12.

Conditions:
FANCG-related disorder. Also called: FANCG-related condition.
Fanconi anemia complementation group G. Also called: Fanconi anemia group G; FANCG-Related Fanconi Anemia. Identifiers: Orphanet 84, MedGen C3469527, MONDO:0013565, OMIM 614082.
Fanconi anemia (FA). Also called: Fanconi's anemia. Identifiers: Orphanet 84, MedGen C0015625, MeSH D005199, MONDO:0019391.

Submissions (4):

Labcorp Genetics (formerly Invitae), Labcorp
Classification: Pathogenic for Fanconi anemia. Last evaluated: 2026-01-12. Review status: criteria provided, single submitter. Criteria: Invitae Variant Classification Sherloc (09022015). Collection method: clinical testing. Allele origin: germline.
Comment: This sequence change creates a premature translational stop signal (p.Glu308*) in the FANCG gene. It is expected to result in an absent or disrupted protein product. Loss-of-function variants in FANCG are known to be pathogenic (PMID: 12552564). This variant is not present in population databases (gnomAD no frequency). This variant has not been reported in the literature in individuals affected with FANCG-related conditions. ClinVar contains an entry for this variant (Variation ID: 2632659). Algorithms developed to predict the effect of sequence changes on RNA splicing suggest that this variant may disrupt the consensus splice site. For these reasons, this variant has been classified as Pathogenic.

Natera, Inc.
Classification: Likely pathogenic for Fanconi anemia group G. Last evaluated: 2024-04-24. Review status: criteria provided, single submitter. Criteria: Natera Variant Classification Schema (03/2026). Collection method: clinical testing. Allele origin: germline.
Comment: The c.922G>T variant in FANCG is a nonsense variant predicted to introduce a stop codon at amino acid 308. This variant is expected to result in nonsense mediated decay, truncation, or a dysfunctional protein product. This variant is rare in the general population with a frequency below the threshold expected for the associated phenotype(s). Given the available evidence, this variant is classified as Likely Pathogenic.

Baylor Genetics
Classification: Likely pathogenic for Fanconi anemia complementation group G. Last evaluated: 2023-11-22. Review status: criteria provided, single submitter. Criteria: ACMG Guidelines, 2015. Collection method: clinical testing. Allele origin: unknown.

PreventionGenetics, part of Exact Sciences
Classification: Pathogenic for FANCG-related condition. Last evaluated: 2023-06-23. Review status: criteria provided, single submitter. Criteria: ACMG Guidelines, 2015. Collection method: clinical testing. Allele origin: germline.
Comment: The FANCG c.922G>T variant is predicted to result in premature protein termination (p.Glu308*). This variant has been reported with another variant in DDB2 gene in an individual with endometrium cancer (Zavaleta et al. 2022. PubMed ID: 36428697). This variant is not reported in a large population database, indicating this variant is rare. Nonsense variants in FANCG are expected to be pathogenic. Therefore we interpret c.922G>T (p.Glu308*) as pathogenic.

Literature cited by the submitters: PubMed 12552564 (cited by Labcorp Genetics (formerly Invitae), Labcorp).